The following is an entry in ClinVar:

NM_005518.4(HMGCS2):c.597C>T (p.Val199=)

Gene: HMGCS2 (3-hydroxy-3-methylglutaryl-CoA synthase 2; minus strand). Cytogenetic location: 1p12.
Variant type: single nucleotide variant.
Coding change: c.597C>T on transcript NM_005518.4 (MANE Select); coding-DNA position 597, C replaced by T.
Protein change: p.Val199=; no amino-acid change (valine 199 retained).
Molecular consequence: synonymous variant. On other transcripts: intron variant (1).
Genome position (GRCh38, 1-based): chr1:119,759,952, G>A on the plus strand (C>T on the coding strand, the complement: HMGCS2 is on the minus strand). VCF-style: chr1-119759952-G-A. GRCh37 (hg19) VCF-style: chr1-120302575-G-A.
Other names: c.560-670C>T (NM_001166107.1).
Identifiers: ClinVar variation 382404 (VCV000382404.3), dbSNP rs1057521346, ClinGen allele CA16603413.

ClinVar aggregate classification (germline): Likely benign. Review status: criteria provided, single submitter (1 of 4 stars). 2 submissions from 2 submitters: Likely benign (1). 1 of the submissions does not count toward it. Last evaluated 2017-03-14.

Conditions:
HMGCS2-related disorder. Also called: HMGCS2-related condition.

Allele frequency attached by ClinVar (database versions not stated): gnomAD exomes below 0.00001; gnomAD 0.00001; TOPMed 0.00001.
gnomAD v4.1: 4 of 1,613,944 alleles (0.00025%); highest among the groups gnomAD compares: African/African-American, 0.0013%; no homozygotes.

Submissions (2):

GeneDx
Classification: Likely benign. Last evaluated: 2017-03-14. Review status: criteria provided, single submitter. Criteria: GeneDx Variant Classification (06012015). Collection method: clinical testing. Allele origin: germline. Affected: yes.
Comment: This variant is considered likely benign or benign based on one or more of the following criteria: it is a conservative change, it occurs at a poorly conserved position in the protein, it is predicted to be benign by multiple in silico algorithms, and/or has population frequency not consistent with disease.

PreventionGenetics, part of Exact Sciences
Classification: Likely benign for HMGCS2-related condition. Last evaluated: 2022-07-25. Review status: no assertion criteria provided. Collection method: clinical testing. Allele origin: germline. Not counted in ClinVar's aggregate classification.
Comment: This variant is classified as likely benign based on ACMG/AMP sequence variant interpretation guidelines (Richards et al. 2015 PMID: 25741868, with internal and published modifications).